The following is an entry in ClinVar:

NM_001371986.1(UNC80):c.4852A>G (p.Lys1618Glu)

Gene: UNC80 (unc-80 subunit of NALCN channel complex; plus strand). Cytogenetic location: 2q34.
Variant type: single nucleotide variant.
Coding change: c.4852A>G on transcript NM_001371986.1 (MANE Select); coding-DNA position 4852, A replaced by G.
Protein change: p.Lys1618Glu; replaces lysine 1618 with glutamic acid.
Molecular consequence: missense variant.
Genome position (GRCh38, 1-based): chr2:209,912,629, A>G. VCF-style: chr2-209912629-A-G. GRCh37 (hg19) VCF-style: chr2-210777353-A-G.
Other names: c.4654A>G, p.Lys1552Glu (NM_032504.2); c.4639A>G, p.Lys1547Glu (NM_182587.4); short protein forms K1552E, K1547E, K1618E.
Identifiers: ClinVar variation 2103076 (VCV002103076.4), dbSNP rs2471117216, ClinGen allele CA350754419.

ClinVar aggregate classification (germline): Uncertain significance (1 of 4 stars; one submission).

Submission:

Labcorp Genetics (formerly Invitae), Labcorp
Classification: Uncertain significance. Last evaluated: 2022-09-07. Review status: criteria provided, single submitter. Criteria: Invitae Variant Classification Sherloc (09022015). Collection method: clinical testing. Allele origin: germline.
Comment: In summary, the available evidence is currently insufficient to determine the role of this variant in disease. Therefore, it has been classified as a Variant of Uncertain Significance. Algorithms developed to predict the effect of missense changes on protein structure and function are either unavailable or do not agree on the potential impact of this missense change (SIFT: "Not Available"; PolyPhen-2: "Probably Damaging"; Align-GVGD: "Not Available"). This variant has not been reported in the literature in individuals affected with UNC80-related conditions. This variant is not present in population databases (gnomAD no frequency). This sequence change replaces lysine, which is basic and polar, with glutamic acid, which is acidic and polar, at codon 1552 of the UNC80 protein (p.Lys1552Glu).